The following is an entry in ClinVar:

NM_015015.3(KDM4B):c.2727G>T (p.Gly909=)

Gene: KDM4B (lysine demethylase 4B; plus strand). Cytogenetic location: 19p13.3.
Variant type: single nucleotide variant.
Coding change: c.2727G>T on transcript NM_015015.3 (MANE Select); coding-DNA position 2727, G replaced by T.
Protein change: p.Gly909=; no amino-acid change (glycine 909 retained).
Molecular consequence: synonymous variant.
Genome position (GRCh38, 1-based): chr19:5,144,143, G>T. VCF-style: chr19-5144143-G-T. GRCh37 (hg19) VCF-style: chr19-5144154-G-T.
Other names: c.2829G>T, p.Gly943= (NM_001411148.1).
Identifiers: ClinVar variation 5039852 (VCV005039852.1).

ClinVar aggregate classification (germline): Likely benign (1 of 4 stars; one submission).

Submission:

CeGaT Center for Human Genetics Tuebingen
Classification: Likely benign. Last evaluated: 2026-08-01. Review status: criteria provided, single submitter. Criteria: CeGaT Center For Human Genetics Tuebingen Variant Classification Criteria Version 2. Collection method: clinical testing. Allele origin: germline. Affected: yes. Observed: 1 variant allele.
Comment: KDM4B: PM2:Supporting, BP4, BP7